The following is an entry in ClinVar:

NM_001083961.2(WDR62):c.3703G>A (p.Gly1235Ser)

Gene: WDR62 (WD repeat domain 62; plus strand). Cytogenetic location: 19q13.12.
Variant type: single nucleotide variant.
Coding change: c.3703G>A on transcript NM_001083961.2 (MANE Select); coding-DNA position 3703, G replaced by A.
Protein change: p.Gly1235Ser; replaces glycine 1235 with serine.
Molecular consequence: missense variant.
Genome position (GRCh38, 1-based): chr19:36,103,531, G>A. VCF-style: chr19-36103531-G-A. GRCh37 (hg19) VCF-style: chr19-36594433-G-A.
Other names: c.3688G>A, p.Gly1230Ser (NM_001411145.1, NM_173636.5); c.3454G>A, p.Gly1152Ser (NM_001411146.1); c.3352G>A, p.Gly1118Ser (NM_001411147.1); short protein forms G1152S, G1235S, G1230S, G1118S.
Identifiers: ClinVar variation 1927838 (VCV001927838.3), dbSNP rs771618020, ClinGen allele CA9396367.
Genomic context (GRCh38, chr19:36,103,531, plus strand): 5'-TGTTCCTACATGGAGGCCACTGCCAGCTCCCGTGCCAGGATATCACGCAGCATCTCCCTC[G>A]GTGACAGTGAGGGCCCTATCGTGGCCACACTGGCCCAGCCCCTCCGTAGGCCATCGTCCG-3'
Protein context (NP_001077430.1, residues 1225-1245): RARISRSISL[Gly1235Ser]DSEGPIVATL

ClinVar aggregate classification (germline): Uncertain significance. Review status: criteria provided, multiple submitters, no conflicts (2 of 4 stars). 2 submissions from 2 submitters: Uncertain significance (2). Last evaluated 2024-01-04.

Conditions:
Inborn genetic diseases. Identifiers: MedGen C0950123, MeSH D030342.

Allele frequency attached by ClinVar (database versions not stated): ExAC 0.00002; gnomAD 0.00002; gnomAD exomes 0.00002; TOPMed 0.00002.
gnomAD v4.1: 35 of 1,613,908 alleles (0.0022%); highest among the groups gnomAD compares: Admixed American, 0.0083%; no homozygotes.

Submissions (2):

Ambry Genetics
Classification: Uncertain significance for Inborn genetic diseases. Last evaluated: 2024-01-04. Review status: criteria provided, single submitter. Criteria: Ambry Variant Classification Scheme 2023. Collection method: clinical testing. Allele origin: germline.

Labcorp Genetics (formerly Invitae), Labcorp
Classification: Uncertain significance. Last evaluated: 2022-04-21. Review status: criteria provided, single submitter. Criteria: Invitae Variant Classification Sherloc (09022015). Collection method: clinical testing. Allele origin: germline.
Comment: This sequence change replaces glycine, which is neutral and non-polar, with serine, which is neutral and polar, at codon 1235 of the WDR62 protein (p.Gly1235Ser). This variant is present in population databases (rs771618020, gnomAD 0.009%). This variant has not been reported in the literature in individuals affected with WDR62-related conditions. Algorithms developed to predict the effect of missense changes on protein structure and function (SIFT, PolyPhen-2, Align-GVGD) all suggest that this variant is likely to be tolerated. Algorithms developed to predict the effect of sequence changes on RNA splicing suggest that this variant may create or strengthen a splice site. In summary, the available evidence is currently insufficient to determine the role of this variant in disease. Therefore, it has been classified as a Variant of Uncertain Significance.